The following is an entry in ClinVar:

NM_000038.6(APC):c.8131G>C (p.Val2711Leu)

Gene: APC (APC regulator of Wnt signaling pathway; plus strand). Cytogenetic location: 5q22.2.
Variant type: single nucleotide variant.
Coding change: c.8131G>C on transcript NM_000038.6 (MANE Select); coding-DNA position 8131, G replaced by C.
Protein change: p.Val2711Leu; replaces valine 2711 with leucine.
Molecular consequence: missense variant. On other transcripts: non-coding transcript variant (2).
Genome position (GRCh38, 1-based): chr5:112,843,725, G>C. VCF-style: chr5-112843725-G-C. GRCh37 (hg19) VCF-style: chr5-112179422-G-C.
Other names: c.6979G>C, p.Val2327Leu (NM_001407472.1, NM_001407471.1); c.8131G>C, p.Val2711Leu (NM_001127510.3, NM_001354895.2, NM_001407450.1); c.8077G>C, p.Val2693Leu (NM_001127511.3); c.8185G>C, p.Val2729Leu (NM_001354896.2, NM_001407447.1, NM_001407448.1 and 1 more transcripts); c.8161G>C, p.Val2721Leu (NM_001354897.2); c.8056G>C, p.Val2686Leu (NM_001354898.2); c.8047G>C, p.Val2683Leu (NM_001354899.2); c.8008G>C, p.Val2670Leu (NM_001354900.2); and 11 more; short protein forms V2670L, V2683L, V2686L, V2711L, V2428L, V2551L, V2585L, V2693L.
Identifiers: ClinVar variation 2707113 (VCV002707113.3), dbSNP rs1580690381, ClinGen allele CA16038993.

ClinVar aggregate classification (germline): Uncertain significance (1 of 4 stars; one submission).

Conditions:
Familial adenomatous polyposis 1 (FAP1). Also called: POLYPOSIS, ADENOMATOUS INTESTINAL; FAMILIAL ADENOMATOUS POLYPOSIS 1, ATTENUATED. Identifiers: MedGen C2713442, MONDO:0021056, OMIM 175100. Disease mechanism: loss of function.

Submission:

Labcorp Genetics (formerly Invitae), Labcorp
Classification: Uncertain significance for Familial adenomatous polyposis 1. Last evaluated: 2024-01-03. Review status: criteria provided, single submitter. Criteria: Invitae Variant Classification Sherloc (09022015). Collection method: clinical testing. Allele origin: germline.
Comment: This sequence change replaces valine, which is neutral and non-polar, with leucine, which is neutral and non-polar, at codon 2711 of the APC protein (p.Val2711Leu). This variant is not present in population databases (gnomAD no frequency). This variant has not been reported in the literature in individuals affected with APC-related conditions. Advanced modeling of protein sequence and biophysical properties (such as structural, functional, and spatial information, amino acid conservation, physicochemical variation, residue mobility, and thermodynamic stability) performed at Invitae indicates that this missense variant is not expected to disrupt APC protein function with a negative predictive value of 95%. In summary, the available evidence is currently insufficient to determine the role of this variant in disease. Therefore, it has been classified as a Variant of Uncertain Significance.